The following is an entry in ClinVar:

NM_005751.5(AKAP9):c.8684A>G (p.Tyr2895Cys)

Gene: AKAP9 (A-kinase anchoring protein 9; plus strand). Cytogenetic location: 7q21.2.
Variant type: single nucleotide variant.
Coding change: c.8684A>G on transcript NM_005751.5 (MANE Select); coding-DNA position 8684, A replaced by G.
Protein change: p.Tyr2895Cys; replaces tyrosine 2895 with cysteine.
Molecular consequence: missense variant.
Genome position (GRCh38, 1-based): chr7:92,084,677, A>G. VCF-style: chr7-92084677-A-G. GRCh37 (hg19) VCF-style: chr7-91713991-A-G.
Other names: c.3329A>G, p.Tyr1110Cys (NM_001379277.1); c.8660A>G, p.Tyr2887Cys (NM_147185.3); short protein forms Y1110C, Y2895C, Y2887C.
Identifiers: ClinVar variation 4738674 (VCV004738674.1).

ClinVar aggregate classification (germline): Uncertain significance (1 of 4 stars; one submission).

Conditions:
Long QT syndrome (LQTS). Identifiers: MedGen C0023976, MeSH D008133, MONDO:0002442. Disease mechanism: loss of function. Inheritance: Various modes of inheritance.

Submission:

Labcorp Genetics (formerly Invitae), Labcorp
Classification: Uncertain significance for Long QT syndrome. Last evaluated: 2025-03-14. Review status: criteria provided, single submitter. Criteria: Invitae Variant Classification Sherloc (09022015). Collection method: clinical testing. Allele origin: germline.
Comment: This sequence change replaces tyrosine, which is neutral and polar, with cysteine, which is neutral and slightly polar, at codon 2895 of the AKAP9 protein (p.Tyr2895Cys). This variant is not present in population databases (gnomAD no frequency). This variant has not been reported in the literature in individuals affected with AKAP9-related conditions. An algorithm developed to predict the effect of missense changes on protein structure and function (PolyPhen-2) suggests that this variant is likely to be disruptive. In summary, the available evidence is currently insufficient to determine the role of this variant in disease. Therefore, it has been classified as a Variant of Uncertain Significance.